The following is an entry in ClinVar:

NM_000026.4(ADSL):c.919C>T (p.Leu307Phe)

Gene: ADSL (adenylosuccinate lyase; plus strand). Cytogenetic location: 22q13.1.
Variant type: single nucleotide variant.
Coding change: c.919C>T on transcript NM_000026.4 (MANE Select); coding-DNA position 919, C replaced by T.
Protein change: p.Leu307Phe; replaces leucine 307 with phenylalanine.
Molecular consequence: missense variant. On other transcripts: non-coding transcript variant (1).
Genome position (GRCh38, 1-based): chr22:40,361,544, C>T. VCF-style: chr22-40361544-C-T. GRCh37 (hg19) VCF-style: chr22-40757548-C-T.
Other names: c.919C>T, p.Leu307Phe (NM_001123378.3, NM_001363840.3); c.727C>T, p.Leu243Phe (NM_001317923.2); short protein forms L243F, L307F.
Identifiers: ClinVar variation 938838 (VCV000938838.9), dbSNP rs2044790556, ClinGen allele CA411644085.

ClinVar aggregate classification (germline): Uncertain significance (1 of 4 stars; one submission).

Conditions:
Adenylosuccinate lyase deficiency (ADSLD). Also called: ADSL DEFICIENCY. Identifiers: Orphanet 46, MedGen C0268126, MONDO:0007068, OMIM 103050.

Allele frequency attached by ClinVar (database versions not stated): gnomAD exomes below 0.00001.

Submission:

Labcorp Genetics (formerly Invitae), Labcorp
Classification: Uncertain significance for Adenylosuccinate lyase deficiency. Last evaluated: 2022-07-11. Review status: criteria provided, single submitter. Criteria: Invitae Variant Classification Sherloc (09022015). Collection method: clinical testing. Allele origin: germline.
Comment: This sequence change replaces leucine, which is neutral and non-polar, with phenylalanine, which is neutral and non-polar, at codon 307 of the ADSL protein (p.Leu307Phe). This variant is not present in population databases (gnomAD no frequency). This variant has not been reported in the literature in individuals affected with ADSL-related conditions. ClinVar contains an entry for this variant (Variation ID: 938838). Advanced modeling of protein sequence and biophysical properties (such as structural, functional, and spatial information, amino acid conservation, physicochemical variation, residue mobility, and thermodynamic stability) performed at Invitae indicates that this missense variant is expected to disrupt ADSL protein function. In summary, the available evidence is currently insufficient to determine the role of this variant in disease. Therefore, it has been classified as a Variant of Uncertain Significance.